The following is an entry in ClinVar:

ClinVar aggregate classification (germline): Likely pathogenic (1 of 4 stars; one submission).

Conditions:
Waardenburg syndrome. Also called: Waardenburg's syndrome. Identifiers: Orphanet 3440, MedGen C3266898, MONDO:0018094.

Submission:

Center for Statistical Genetics, Columbia University
Classification: Likely pathogenic for Waardenburg syndrome. Last evaluated: 2025-01-14. Review status: criteria provided, single submitter. Criteria: ACMG Guidelines, 2015. Collection method: research. Allele origin: germline. Inheritance: Autosomal dominant inheritance. Affected: yes. Observed: 2 heterozygotes.
Comment: The variant c.797_798inv is a non-truncating non-synonymous variant. 8 pathogenic or likely pathogenic reported variants were found in a 152bp region surrounding this variant in exon 6 without any missense benign variants (PM1). Absent from data bases (PM2). PAX3 is a known gene for Waardenburg syndrome. We have identified the segregation of this variant with the disease in multiple affected family members (PP1).There are 62 pathogenic missense variants in PAX3 (PP2). In summary, the variant was classified based on the ACMG/AMP criteria, using the evidences PM1, PM2, PP1, PP2

NM_181458.4(PAX3):c.797_798inv (p.Trp266Ser)

Gene: PAX3 (paired box 3; minus strand). Cytogenetic location: 2q36.1.
Variant type: Inversion.
Coding change: c.797_798inv on transcript NM_181458.4 (MANE Select).
Protein change: p.Trp266Ser; replaces tryptophan 266 with serine.
Molecular consequence: missense variant.
Genome position: GRCh38 VCF-style: chr2-222221382-CC-GG. GRCh37 (hg19) VCF-style: chr2-223086101-CC-GG.
Other names: c.794_795inv, p.Trp265Ser (NM_001127366.3); c.797_798inv, p.Trp266Ser (NM_181457.4, NM_181459.4, NM_181460.4 and 1 more transcripts); short protein forms W265S, W266S.
Identifiers: ClinVar variation 3381830 (VCV003381830.2).